The following is an entry in ClinVar:

ClinVar aggregate classification (germline): Uncertain significance. Review status: criteria provided, multiple submitters, no conflicts (2 of 4 stars). 3 submissions from 2 submitters: Uncertain significance (3). Last evaluated 2022-03-19.

Conditions:
Meckel-Gruber syndrome. Also called: DYSENCEPHALIA SPLANCHNOCYSTICA; GRUBER SYNDROME; Dysencephalia splachnocystica. Identifiers: Orphanet 564, MedGen C0265215, MONDO:0018921.
Joubert syndrome. Also called: CEREBELLOPARENCHYMAL DISORDER IV; JOUBERT-BOLTSHAUSER SYNDROME; Familial aplasia of the vermis. Identifiers: Orphanet 475, MedGen C5979921, MONDO:0018772.
Bardet-Biedl syndrome 13 (BBS13). Identifiers: Orphanet 110, MedGen C2673873, MONDO:0014441, OMIM 615990.
Meckel syndrome, type 1 (MKS1). Also called: MECKEL-GRUBER SYNDROME, TYPE 1. Identifiers: Orphanet 564, MedGen C3714506, MONDO:0009571, OMIM 249000.

gnomAD v4.1: 2 of 1,614,186 alleles (0.00012%); highest among the groups gnomAD compares: Non-Finnish European, 0.00017%; no homozygotes.

Submissions (3):

Labcorp Genetics (formerly Invitae), Labcorp
Classification: Uncertain significance for Joubert syndrome; Meckel-Gruber syndrome. Last evaluated: 2022-03-19. Review status: criteria provided, single submitter. Criteria: Invitae Variant Classification Sherloc (09022015). Collection method: clinical testing. Allele origin: germline.
Comment: Advanced modeling of protein sequence and biophysical properties (such as structural, functional, and spatial information, amino acid conservation, physicochemical variation, residue mobility, and thermodynamic stability) performed at Invitae indicates that this missense variant is not expected to disrupt MKS1 protein function. In summary, the available evidence is currently insufficient to determine the role of this variant in disease. Therefore, it has been classified as a Variant of Uncertain Significance. ClinVar contains an entry for this variant (Variation ID: 889717). This variant has not been reported in the literature in individuals affected with MKS1-related conditions. This variant is not present in population databases (gnomAD no frequency). This sequence change replaces asparagine, which is neutral and polar, with threonine, which is neutral and polar, at codon 136 of the MKS1 protein (p.Asn136Thr).

Illumina Laboratory Services, Illumina
Classification: Uncertain significance for Bardet-Biedl syndrome 13. Last evaluated: 2018-01-13. Review status: criteria provided, single submitter. Criteria: ICSL Variant Classification Criteria 13 December 2019. Collection method: clinical testing. Allele origin: germline.

Illumina Laboratory Services, Illumina
Classification: Uncertain significance for Meckel syndrome, type 1. Last evaluated: 2018-01-13. Review status: criteria provided, single submitter. Criteria: ICSL Variant Classification Criteria 13 December 2019. Collection method: clinical testing. Allele origin: germline.

NM_017777.4(MKS1):c.407A>C (p.Asn136Thr)

Gene: MKS1 (MKS transition zone complex subunit 1; minus strand). Cytogenetic location: 17q22.
Variant type: single nucleotide variant.
Coding change: c.407A>C on transcript NM_017777.4 (MANE Select); coding-DNA position 407, A replaced by C.
Protein change: p.Asn136Thr; replaces asparagine 136 with threonine.
Molecular consequence: missense variant. On other transcripts: 5 prime UTR variant (1).
Genome position (GRCh38, 1-based): chr17:58,216,098, T>G on the plus strand (A>C on the coding strand, the complement: MKS1 is on the minus strand). VCF-style: chr17-58216098-T-G. GRCh37 (hg19) VCF-style: chr17-56293459-T-G.
Other names: c.-105A>C (NM_001321268.2); c.407A>C, p.Asn136Thr (NM_001321269.2, NM_001330397.2); short protein forms N136T.
Identifiers: ClinVar variation 889717 (VCV000889717.9), dbSNP rs1969184476, ClinGen allele CA400327349.